The following is an entry in ClinVar:

NM_033641.4(COL4A6):c.2223C>T (p.Gly741=)

Gene: COL4A6 (collagen type IV alpha 6 chain; minus strand). Cytogenetic location: Xq22.3.
Variant type: single nucleotide variant.
Coding change: c.2223C>T on transcript NM_033641.4 (MANE Select); coding-DNA position 2223, C replaced by T.
Protein change: p.Gly741=; no amino-acid change (glycine 741 retained).
Molecular consequence: synonymous variant.
Genome position (GRCh38, 1-based): chrX:108,179,347, G>A on the plus strand (C>T on the coding strand, the complement: COL4A6 is on the minus strand). VCF-style: chrX-108179347-G-A. GRCh37 (hg19) VCF-style: chrX-107422577-G-A.
Other names: c.2226C>T (NM_001847.3); c.2274C>T, p.Gly758= (NM_001287758.2); c.2223C>T, p.Gly741= (NM_001287759.2, NM_001287760.2); c.2226C>T, p.Gly742= (NM_001847.4).
Identifiers: ClinVar variation 2723296 (VCV002723296.5), dbSNP rs1313031423, ClinGen allele CA517943521.

ClinVar aggregate classification (germline): Likely benign. Review status: criteria provided, single submitter (1 of 4 stars). 2 submissions from 2 submitters: Likely benign (1). 1 of the submissions does not count toward it. Last evaluated 2023-07-31.

Conditions:
COL4A6-related disorder. Also called: COL4A6-related condition.

Allele frequency attached by ClinVar (database versions not stated): gnomAD exomes below 0.00001; TOPMed 0.00001.
gnomAD v4.1: 4 of 1,211,194 alleles (0.00033%); highest among the groups gnomAD compares: Non-Finnish European, 0.00045%; no homozygotes.

Submissions (2):

Labcorp Genetics (formerly Invitae), Labcorp
Classification: Likely benign. Last evaluated: 2023-07-31. Review status: criteria provided, single submitter. Criteria: Invitae Variant Classification Sherloc (09022015). Collection method: clinical testing. Allele origin: germline.

PreventionGenetics, part of Exact Sciences
Classification: Likely benign for COL4A6-related condition. Last evaluated: 2023-10-11. Review status: no assertion criteria provided. Collection method: clinical testing. Allele origin: germline. Not counted in ClinVar's aggregate classification.
Comment: This variant is classified as likely benign based on ACMG/AMP sequence variant interpretation guidelines (Richards et al. 2015 PMID: 25741868, with internal and published modifications).